The following is an entry in ClinVar:

NM_174934.4(SCN4B):c.299G>A (p.Arg100His)

Genes: SCN4B (sodium voltage-gated channel beta subunit 4; minus strand), LOC126861356 (BRD4-independent group 4 enhancer GRCh37_chr11:118014519-118015718; plus strand). Cytogenetic location: 11q23.3.
Variant type: single nucleotide variant.
Coding change: c.299G>A on transcript NM_174934.4 (MANE Select); coding-DNA position 299, G replaced by A.
Protein change: p.Arg100His; replaces arginine 100 with histidine.
Molecular consequence: missense variant. On other transcripts: 5 prime UTR variant (1), non-coding transcript variant (1), intron variant (1).
Genome position (GRCh38, 1-based): chr11:118,143,997, C>T on the plus strand (G>A on the coding strand, the complement: SCN4B is on the minus strand). VCF-style: chr11-118143997-C-T. GRCh37 (hg19) VCF-style: chr11-118014712-C-T.
Other names: c.-32G>A (NM_001142349.2); c.62-2661G>A (NM_001142348.2); short protein forms R100H.
Identifiers: ClinVar variation 649165 (VCV000649165.8), dbSNP rs779514077, ClinGen allele CA6300235.

ClinVar aggregate classification (germline): Uncertain significance. Review status: criteria provided, multiple submitters, no conflicts (2 of 4 stars). 2 submissions from 2 submitters: Uncertain significance (2). Last evaluated 2025-07-07.

Conditions:
Long QT syndrome 10 (LQT10). Identifiers: Orphanet 101016, Orphanet 768, MedGen C2678484, MONDO:0012737, OMIM 611819.
Cardiovascular phenotype. Identifiers: MedGen CN230736.

Allele frequency attached by ClinVar (database versions not stated): TOPMed below 0.00001; ExAC 0.00001; gnomAD exomes 0.00001.
gnomAD v4.1: 11 of 1,614,040 alleles (0.00068%); highest among the groups gnomAD compares: East Asian, 0.0022%; no homozygotes.

Submissions (2):

Ambry Genetics
Classification: Uncertain significance for Cardiovascular phenotype. Last evaluated: 2025-07-07. Review status: criteria provided, single submitter. Criteria: Ambry Variant Classification Scheme 2023. Collection method: clinical testing. Allele origin: germline.
Comment: The p.R100H variant (also known as c.299G>A), located in coding exon 3 of the SCN4B gene, results from a G to A substitution at nucleotide position 299. The arginine at codon 100 is replaced by histidine, an amino acid with highly similar properties. This amino acid position is highly conserved in available vertebrate species. In addition, the in silico prediction for this alteration is inconclusive. The evidence for this gene-disease relationship is limited; therefore, the clinical significance of this alteration is unclear.

Labcorp Genetics (formerly Invitae), Labcorp
Classification: Uncertain significance for Long QT syndrome 10. Last evaluated: 2025-04-11. Review status: criteria provided, single submitter. Criteria: Invitae Variant Classification Sherloc (09022015). Collection method: clinical testing. Allele origin: germline.
Comment: This sequence change replaces arginine, which is basic and polar, with histidine, which is basic and polar, at codon 100 of the SCN4B protein (p.Arg100His). This variant is present in population databases (rs779514077, gnomAD 0.003%). This variant has not been reported in the literature in individuals affected with SCN4B-related conditions. ClinVar contains an entry for this variant (Variation ID: 649165). An algorithm developed to predict the effect of missense changes on protein structure and function (PolyPhen-2) suggests that this variant is likely to be disruptive. In summary, the available evidence is currently insufficient to determine the role of this variant in disease. Therefore, it has been classified as a Variant of Uncertain Significance.